The following is an entry in ClinVar:

ClinVar aggregate classification (germline): Uncertain significance. Review status: criteria provided, multiple submitters, no conflicts (2 of 4 stars). 3 submissions from 3 submitters: Uncertain significance (3). Last evaluated 2025-05-01.

Conditions:
Myopathy, congenital, with tremor. Also called: myogenic tremor; CONGENITAL MYOPATHY 16. Identifiers: MedGen C5231401, MONDO:0032797, OMIM 618524.

Submissions (3):

CeGaT Center for Human Genetics Tuebingen
Classification: Uncertain significance. Last evaluated: 2025-05-01. Review status: criteria provided, single submitter. Criteria: CeGaT Center For Human Genetics Tuebingen Variant Classification Criteria Version 2. Collection method: clinical testing. Allele origin: germline. Affected: yes. Observed: 1 variant allele.
Comment: MYBPC1: PM1, PM2, PP3

GeneDx
Classification: Uncertain significance. Last evaluated: 2025-04-03. Review status: criteria provided, single submitter. Criteria: GeneDx Variant Classification Process June 2021. Collection method: clinical testing. Allele origin: germline. Affected: yes.
Comment: Not observed at significant frequency in large population cohorts (gnomAD); In silico analysis supports that this missense variant has a deleterious effect on protein structure/function; Has not been previously published as pathogenic or benign to our knowledge

Illumina Laboratory Services, Illumina
Classification: Uncertain significance for Myopathy, congenital, with tremor. Last evaluated: 2024-04-16. Review status: criteria provided, single submitter. Criteria: ISL SNV Classification Criteria 03 February 2026. Collection method: clinical testing. Allele origin: unknown.
Comment: The MYBPC1 c.781G>A p.(Gly261Ser) missense variant lies in the tri-helix bundle domain, located within the myosin binding motif of the MYBPC1 protein. To our knowledge, this variant has not been reported in the peer-reviewed literature. However, two nearby variants p.(Leu259Pro) and p.(Leu263Arg) have been identified in at least three unrelated individuals with skeletal muscle weakness, myogenic tremors, and hypotonia that showed gradual improvement (PMID: 31264822). The c.781G>A p.(Gly261Ser) variant is not observed in version 2.1.1 or version 4.0.0 of the Genome Aggregation Database. Based on the available evidence, the c.781G>A p.(Gly261Ser) variant is classified as a variant of uncertain significance for myopathy, congenital with tremor.

Literature cited by the submitters: PubMed 31264822 (cited by Illumina Laboratory Services, Illumina).

NM_002465.4(MYBPC1):c.781G>A (p.Gly261Ser)

Gene: MYBPC1 (myosin binding protein C1; plus strand). Cytogenetic location: 12q23.2.
Variant type: single nucleotide variant.
Coding change: c.781G>A on transcript NM_002465.4 (MANE Select); coding-DNA position 781, G replaced by A.
Protein change: p.Gly261Ser; replaces glycine 261 with serine.
Molecular consequence: missense variant.
Genome position (GRCh38, 1-based): chr12:101,642,534, G>A. VCF-style: chr12-101642534-G-A. GRCh37 (hg19) VCF-style: chr12-102036312-G-A.
Other names: c.781G>A (NM_002465.3); c.706G>A, p.Gly236Ser (NM_001254718.3, NM_001254719.3, NM_206820.4 and 1 more transcripts); c.670G>A, p.Gly224Ser (NM_001254720.3); c.649G>A, p.Gly217Ser (NM_001254721.3, NM_001404676.1, NM_001404678.1); c.628G>A, p.Gly210Ser (NM_001254722.3, NM_001404680.1); c.667G>A, p.Gly223Ser (NM_001254723.3); c.781G>A, p.Gly261Ser (NM_001404675.1, NM_206819.4); c.571G>A, p.Gly191Ser (NM_001404677.1, NM_001404679.1, NM_001404681.1); short protein forms G191S, G210S, G217S, G223S, G224S, G236S, G261S.
Identifiers: ClinVar variation 3905598 (VCV003905598.12).
Genomic context (GRCh38, chr12:101,642,534, plus strand): 5'-AACGCGAAACCCAGTGAGTACGAGAAGATCGCCTTCCAGTATGGAATCACCGACCTGCGC[G>A]GCATGCTCAAGCGACTCAAGCGCATGCGCAGAGAGGAGAAGAAGAGCGCAGGTGAGCGCT-3'
Protein context (NP_002456.2, residues 251-271): AFQYGITDLR[Gly261Ser]MLKRLKRMRR